The following is an entry in ClinVar:

NM_001025356.3(ANO6):c.1261G>A (p.Glu421Lys)

Gene: ANO6 (anoctamin 6; plus strand). Cytogenetic location: 12q12.
Variant type: single nucleotide variant.
Coding change: c.1261G>A on transcript NM_001025356.3 (MANE Select); coding-DNA position 1261, G replaced by A.
Protein change: p.Glu421Lys; replaces glutamic acid 421 with lysine.
Molecular consequence: missense variant.
Genome position (GRCh38, 1-based): chr12:45,388,256, G>A. VCF-style: chr12-45388256-G-A. GRCh37 (hg19) VCF-style: chr12-45782039-G-A.
Other names: c.1207G>A, p.Glu403Lys (NM_001142678.2); c.1261G>A, p.Glu421Lys (NM_001142679.2); c.1324G>A, p.Glu442Lys (NM_001204803.2); c.1228G>A, p.Glu410Lys (NM_001410973.1); short protein forms E403K, E410K, E421K, E442K.
Identifiers: ClinVar variation 4847335 (VCV004847335.1).
Genomic context (GRCh38, chr12:45,388,256, plus strand): 5'-GCAGAACTTGAGTATGAATGGGATACTGTTGAGTTACAGCAGGAAGAACAAGCCCGACCA[G>A]AATACGAAGCACGATGTACTCACGTAGTGATAAATGAGATTACTCAGGTAAGCAGGGTCG-3'
Protein context (NP_001020527.2, residues 411-431): ELQQEEQARP[Glu421Lys]YEARCTHVVI

ClinVar aggregate classification (germline): Uncertain significance (1 of 4 stars; one submission).

Submission:

Women's Health and Genetics/Laboratory Corporation of America, LabCorp
Classification: Uncertain significance. Last evaluated: 2026-03-11. Review status: criteria provided, single submitter. Criteria: LabCorp Variant Classification Summary - May 2015. Collection method: clinical testing. Allele origin: germline.
Comment: Variant summary: ANO6 c.1261G>A (p.Glu421Lys) results in a conservative amino acid change in the encoded protein sequence. Algorithms developed to predict the effect of missense changes on protein structure and function are either unavailable or do not agree on the potential impact of this missense change. The variant was absent in 251462 control chromosomes. The available data on variant occurrences in the general population are insufficient to allow any conclusion about variant significance. To our knowledge, no occurrence of c.1261G>A in individuals affected with ANO6-related conditions and no experimental evidence demonstrating its impact on protein function have been reported. No submitters have cited clinical-significance assessments for this variant to ClinVar. Based on the evidence outlined above, the variant was classified as uncertain significance.